The following is an entry in ClinVar:

ClinVar aggregate classification (germline): Benign/Likely benign. Review status: criteria provided, multiple submitters, no conflicts (2 of 4 stars). 8 submissions from 7 submitters: Benign (6); Likely benign (2). Last evaluated 2026-02-01.

Conditions:
Retinitis pigmentosa 39 (RP39). Identifiers: Orphanet 791, MedGen C3151138, MONDO:0013436, OMIM 613809.
Usher syndrome type 2A. Also called: RETINAL DISEASE IN USHER SYNDROME TYPE IIA, MODIFIER OF; USHER SYNDROME, TYPE IIA. Identifiers: Orphanet 231178, Orphanet 886, MedGen C1848634, MONDO:0010169, OMIM 276901.

Allele frequency attached by ClinVar (database versions not stated): gnomAD exomes 0.00184; ExAC 0.00224; 1000 Genomes Project 0.00679; gnomAD 0.00691 and 0.00740; TOPMed 0.00791; 1000 Genomes Project 30x 0.00812; ESP Exome Variant Server 0.00869.
gnomAD v4.1: 2,173 of 1,613,718 alleles (0.13%); highest among the groups gnomAD compares: African/African-American, 2.5%; 31 homozygotes.

Submissions (8):

Labcorp Genetics (formerly Invitae), Labcorp
Classification: Benign. Last evaluated: 2026-02-01. Review status: criteria provided, single submitter. Criteria: Invitae Variant Classification Sherloc (09022015). Collection method: clinical testing. Allele origin: germline.

Genomic Medicine Center of Excellence, King Faisal Specialist Hospital and Research Centre
Classification: Likely benign. Last evaluated: 2025-08-18. Review status: criteria provided, single submitter. Criteria: ACMG Guidelines, 2015. Collection method: clinical testing. Allele origin: germline.

Genome-Nilou Lab
Classification: Benign for Retinitis pigmentosa 39. Last evaluated: 2023-04-11. Review status: criteria provided, single submitter. Criteria: ACMG Guidelines, 2015. Collection method: clinical testing. Allele origin: germline. Affected: no.

Genome-Nilou Lab
Classification: Benign for Usher syndrome type 2A. Last evaluated: 2023-04-11. Review status: criteria provided, single submitter. Criteria: ACMG Guidelines, 2015. Collection method: clinical testing. Allele origin: germline. Affected: no.

Fulgent Genetics
Classification: Likely benign for Usher syndrome type 2A; Retinitis pigmentosa 39. Last evaluated: 2021-10-18. Review status: criteria provided, single submitter. Criteria: ACMG Guidelines, 2015. Collection method: clinical testing. Allele origin: unknown.

GeneDx
Classification: Benign. Last evaluated: 2015-03-03. Review status: criteria provided, single submitter. Criteria: GeneDx Variant Classification Process June 2021. Collection method: clinical testing. Allele origin: germline. Affected: yes.

Laboratory for Molecular Medicine, Mass General Brigham Personalized Medicine
Classification: Benign. Last evaluated: 2012-05-07. Review status: criteria provided, single submitter. Criteria: LMM Criteria. Collection method: clinical testing. Allele origin: germline. Observed: 6 variant alleles.
Comment: 11048-15C>T in Exon 57 of USH2A: This variant is not expected to have clinical s ignificance because it has been identified in 2.6% (96/3738) of African American chromosomes from a broad population by the NHLBI Exome Sequencing Project (dbSNP rs74141403).

Breakthrough Genomics
Classification: Benign. Review status: criteria provided, single submitter. Criteria: ACMG Guidelines, 2015. Collection method: not provided. Allele origin: germline. Inheritance: Autosomal recessive inheritance. Affected: yes.

NM_206933.4(USH2A):c.11048-15C>T

Gene: USH2A (usherin; minus strand). Cytogenetic location: 1q41.
Variant type: single nucleotide variant.
Coding change: c.11048-15C>T on transcript NM_206933.4 (MANE Select); 15 bases into the intron before coding-DNA position 11048, C replaced by T.
Molecular consequence: intron variant.
Genome position (GRCh38, 1-based): chr1:215,759,858, G>A on the plus strand (C>T on the coding strand, the complement: USH2A is on the minus strand). VCF-style: chr1-215759858-G-A. GRCh37 (hg19) VCF-style: chr1-215933200-G-A.
Identifiers: ClinVar variation 178647 (VCV000178647.19), dbSNP rs74141403, ClinGen allele CA182731.